The following is an entry in ClinVar:

NC_000008.11:g.(?_99013769)_(99875686_?)dup

Gene: VPS13B (vacuolar protein sorting 13 homolog B; plus strand). Cytogenetic location: 8q22.2.
Variant type: Duplication.
Identifiers: ClinVar variation 833046 (VCV000833046.3).

ClinVar aggregate classification (germline): Uncertain significance (1 of 4 stars; one submission).

Conditions:
Cohen syndrome (COH1). Also called: Cutis verticis gyrata, retinitis pigmentosa, and sensorineural deafness; PEPPER SYNDROME. Identifiers: Orphanet 193, MedGen C0265223, MONDO:0008999, OMIM 216550.

Submission:

Labcorp Genetics (formerly Invitae), Labcorp
Classification: Uncertain significance for Cohen syndrome. Last evaluated: 2020-12-27. Review status: criteria provided, single submitter. Criteria: Invitae Variant Classification Sherloc (09022015). Collection method: clinical testing. Allele origin: germline.
Comment: A copy number gain of the genomic region encompassing the full coding sequence of the VPS13B gene has been identified. The boundaries of this event are unknown as they extend beyond the assayed region for this gene and therefore may encompass additional genes. As the precise location of this event is unknown, it may be in tandem or it may be located elsewhere in the genome. This variant has not been reported in the literature in individuals with VPS13B-related conditions. Experimental studies and prediction algorithms are not available or were not evaluated, and the functional significance of this variant is currently unknown. In summary, the available evidence is currently insufficient to determine the role of this variant in disease. Therefore, it has been classified as a Variant of Uncertain Significance.